The following is an entry in ClinVar:

ClinVar aggregate classification (germline): Benign/Likely benign. Review status: criteria provided, multiple submitters, no conflicts (2 of 4 stars). 5 submissions from 5 submitters: Benign (3); Likely benign (2). Last evaluated 2026-05-05.

Allele frequency attached by ClinVar (database versions not stated): 1000 Genomes Project 30x 0.00094; 1000 Genomes Project 0.00120; TOPMed 0.00131; ESP Exome Variant Server 0.00226; gnomAD exomes 0.00268; ExAC 0.00295; gnomAD 0.00298 and 0.00309.
gnomAD v4.1: 3,541 of 1,609,526 alleles (0.22%); highest among the groups gnomAD compares: Non-Finnish European, 0.21%; 21 homozygotes.

Submissions (5):

Women's Health and Genetics/Laboratory Corporation of America, LabCorp
Classification: Likely benign. Last evaluated: 2026-05-05. Review status: criteria provided, single submitter. Criteria: LabCorp Variant Classification Summary - May 2015. Collection method: clinical testing. Allele origin: germline.
Comment: Variant summary: TRIOBP c.3232C>T (p.Arg1078Cys) results in a non-conservative amino acid change in the encoded protein sequence. Algorithms developed to predict the effect of missense changes on protein structure and function are either unavailable or do not agree on the potential impact of this missense change. The variant allele was found at a frequency of 0.0027 in 248134 control chromosomes in the gnomAD database, including 5 homozygotes. The observed variant frequency exceeds the estimated maximal expected allele frequency for disease-causing variants in TRIOBP. c.3232C>T has been observed in individual(s) affected with Autosomal Recessive Nonsyndromic Hearing Loss (e.g. Sommen_2016). These reports do not provide unequivocal conclusions about the association of the variant with Autosomal Recessive Nonsyndromic Hearing Loss 28. To our knowledge, no experimental evidence demonstrating an impact on protein function has been reported. The following publication has been ascertained in the context of this evaluation (PMID: 27068579). ClinVar contains an entry for this variant (Variation ID: 252511). Based on the evidence outlined above, the variant was classified as likely benign.

CeGaT Center for Human Genetics Tuebingen
Classification: Likely benign. Last evaluated: 2026-04-01. Review status: criteria provided, single submitter. Criteria: CeGaT Center For Human Genetics Tuebingen Variant Classification Criteria Version 2. Collection method: clinical testing. Allele origin: germline. Affected: yes. Observed: 6 variant alleles.
Comment: TRIOBP: BS2

Labcorp Genetics (formerly Invitae), Labcorp
Classification: Benign. Last evaluated: 2026-01-12. Review status: criteria provided, single submitter. Criteria: Invitae Variant Classification Sherloc (09022015). Collection method: clinical testing. Allele origin: germline.

GeneDx
Classification: Benign. Last evaluated: 2019-03-04. Review status: criteria provided, single submitter. Criteria: GeneDx Variant Classification Process June 2021. Collection method: clinical testing. Allele origin: germline. Affected: yes.
Comment: This variant is associated with the following publications: (PMID: 27068579, 30872186)

Genomic Diagnostic Laboratory, Division of Genomic Diagnostics, Children's Hospital of Philadelphia
Classification: Benign. Last evaluated: 2015-10-30. Review status: criteria provided, single submitter. Criteria: DGD Variant Analysis Guidelines. Collection method: clinical testing. Allele origin: unknown.

Literature cited by the submitters: PubMed 27068579 (cited by Women's Health and Genetics/Laboratory Corporation of America, LabCorp).

NM_001039141.3(TRIOBP):c.3232C>T (p.Arg1078Cys)

Gene: TRIOBP (TRIO and F-actin binding protein; plus strand). Cytogenetic location: 22q13.1.
Variant type: single nucleotide variant.
Coding change: c.3232C>T on transcript NM_001039141.3 (MANE Select); coding-DNA position 3232, C replaced by T.
Protein change: p.Arg1078Cys; replaces arginine 1078 with cysteine.
Molecular consequence: missense variant.
Genome position (GRCh38, 1-based): chr22:37,725,788, C>T. VCF-style: chr22-37725788-C-T. GRCh37 (hg19) VCF-style: chr22-38121795-C-T.
Other names: short protein forms R1078C.
Identifiers: ClinVar variation 252511 (VCV000252511.26), dbSNP rs200359708, ClinGen allele CA10224066.